The following is an entry in ClinVar:

ClinVar aggregate classification (germline): Likely benign. Review status: criteria provided, multiple submitters, no conflicts (2 of 4 stars). 3 submissions from 3 submitters: Likely benign (3). Last evaluated 2026-02-01.

Conditions:
Inborn genetic diseases. Identifiers: MedGen C0950123, MeSH D030342.

Allele frequency attached by ClinVar (database versions not stated): ESP Exome Variant Server 0.00008; gnomAD 0.00017 and 0.00023; TOPMed 0.00017; 1000 Genomes Project 30x 0.00031; 1000 Genomes Project 0.00040.
gnomAD v4.1: 303 of 1,613,694 alleles (0.019%); highest among the groups gnomAD compares: South Asian, 0.1%; 1 homozygote.

Submissions (3):

CeGaT Center for Human Genetics Tuebingen
Classification: Likely benign. Last evaluated: 2026-02-01. Review status: criteria provided, single submitter. Criteria: CeGaT Center For Human Genetics Tuebingen Variant Classification Criteria Version 2. Collection method: clinical testing. Allele origin: germline. Affected: yes. Observed: 3 variant alleles.
Comment: MAGEL2: BP4, BS1

Labcorp Genetics (formerly Invitae), Labcorp
Classification: Likely benign. Last evaluated: 2025-10-04. Review status: criteria provided, single submitter. Criteria: Invitae Variant Classification Sherloc (09022015). Collection method: clinical testing. Allele origin: germline.

Ambry Genetics
Classification: Likely benign for Inborn genetic diseases. Last evaluated: 2021-12-16. Review status: criteria provided, single submitter. Criteria: Ambry Variant Classification Scheme 2023. Collection method: clinical testing. Allele origin: germline.

NM_019066.5(MAGEL2):c.2971G>A (p.Val991Ile)

Gene: MAGEL2 (MAGE family member L2; minus strand). Cytogenetic location: 15q11.2.
Variant type: single nucleotide variant.
Coding change: c.2971G>A on transcript NM_019066.5 (MANE Select); coding-DNA position 2971, G replaced by A.
Protein change: p.Val991Ile; replaces valine 991 with isoleucine.
Molecular consequence: missense variant.
Genome position (GRCh38, 1-based): chr15:23,644,772, C>T on the plus strand (G>A on the coding strand, the complement: MAGEL2 is on the minus strand). VCF-style: chr15-23644772-C-T. GRCh37 (hg19) VCF-style: chr15-23889919-C-T.
Other names: short protein forms V991I.
Identifiers: ClinVar variation 704780 (VCV000704780.24), dbSNP rs372805925, ClinGen allele CA7429775.
Genomic context (GRCh38, chr15:23,644,772, plus strand): 5'-TGGAATTATCCTGGGTGGCACTGGATCCCGGAGAGACACTTGCGACCTCAGACACAACTA[C>T]GGGCAGAGAGCTCCCTGGGCTTTCAGAGAGACCCAGGGCCCTGGAGGTGCTCGGGCCCTC-3'
Protein context (NP_061939.3, residues 981-1001): LSESPGSSLP[Val991Ile]VVSEVASVSP